The following is an entry in ClinVar:

ClinVar aggregate classification (germline): Pathogenic. Review status: criteria provided, multiple submitters, no conflicts (2 of 4 stars). 2 submissions from 2 submitters: Pathogenic (2). Last evaluated 2025-06-24.

Conditions:
BAP1-related tumor predisposition syndrome (TPDS1). Also called: Tumor susceptibility linked to germline BAP1 mutations; COMMON Syndrome; TUMOR PREDISPOSITION SYNDROME 1; BAP1 tumor predisposition syndrome. Identifiers: Orphanet 289539, MedGen C3280492, MONDO:0013692, OMIM 614327.

Submissions (2):

Labcorp Genetics (formerly Invitae), Labcorp
Classification: Pathogenic for BAP1-related tumor predisposition syndrome. Last evaluated: 2025-06-24. Review status: criteria provided, single submitter. Criteria: Invitae Variant Classification Sherloc (09022015). Collection method: clinical testing. Allele origin: germline.
Comment: This sequence change creates a premature translational stop signal (p.Val550Alafs*21) in the BAP1 gene. It is expected to result in an absent or disrupted protein product. Loss-of-function variants in BAP1 are known to be pathogenic (PMID: 21874000, 23684012). This variant is not present in population databases (gnomAD no frequency). This variant has not been reported in the literature in individuals affected with BAP1-related conditions. ClinVar contains an entry for this variant (Variation ID: 1916047). For these reasons, this variant has been classified as Pathogenic.

Myriad Genetics, Inc.
Classification: Pathogenic for BAP1-related tumor predisposition syndrome. Last evaluated: 2024-04-30. Review status: criteria provided, single submitter. Criteria: Myriad Autosomal Dominant, Autosomal Recessive and X-Linked Classification Criteria (2023). Collection method: clinical testing. Allele origin: unknown.
Comment: This variant is considered pathogenic. This variant creates a frameshift predicted to result in premature protein truncation.

Literature cited by the submitters: PubMed 21874000 (cited by Labcorp Genetics (formerly Invitae), Labcorp); PubMed 23684012 (cited by Labcorp Genetics (formerly Invitae), Labcorp).

NM_004656.4(BAP1):c.1649del (p.Val550fs)

Gene: BAP1 (BRCA1 associated deubiquitinase 1; minus strand). Cytogenetic location: 3p21.1.
Variant type: Deletion.
Coding change: c.1649del on transcript NM_004656.4 (MANE Select); coding-DNA position 1649, one base deleted (T; older notation c.1649delT).
Protein change: p.Val550fs; shifts the reading frame from valine 550.
Molecular consequence: frameshift variant.
Genome position (GRCh38, 1-based): chr3:52,403,496, A deleted on the plus strand (T on the coding strand, the reverse complement: BAP1 is on the minus strand). VCF-style (leftmost placement, unchanged base first): chr3-52403495-GA-G. GRCh37 (hg19) VCF-style: chr3-52437511-GA-G.
Other names: c.1595delT, p.Val532Alafs (NM_001410772.1); short protein forms V550fs.
Identifiers: ClinVar variation 1916047 (VCV001916047.6), dbSNP rs2471327444, ClinGen allele CA2580070227.